The following is an entry in ClinVar:

NM_001145358.2(SIN3A):c.2530G>A (p.Val844Ile)

Gene: SIN3A (SIN3 transcription regulator family member A; minus strand). Cytogenetic location: 15q24.2.
Variant type: single nucleotide variant.
Coding change: c.2530G>A on transcript NM_001145358.2 (MANE Select); coding-DNA position 2530, G replaced by A.
Protein change: p.Val844Ile; replaces valine 844 with isoleucine.
Molecular consequence: missense variant.
Genome position (GRCh38, 1-based): chr15:75,392,563, C>T on the plus strand (G>A on the coding strand, the complement: SIN3A is on the minus strand). VCF-style: chr15-75392563-C-T. GRCh37 (hg19) VCF-style: chr15-75684904-C-T.
Other names: c.2530G>A, p.Val844Ile (NM_001145357.2, NM_015477.3); short protein forms V844I.
Identifiers: ClinVar variation 1985240 (VCV001985240.4), dbSNP rs986589896, ClinGen allele CA272907691.

ClinVar aggregate classification (germline): Uncertain significance (1 of 4 stars; one submission).

Allele frequency attached by ClinVar (database versions not stated): gnomAD exomes 0.00001; TOPMed 0.00001.
gnomAD v4.1: 3 of 1,614,126 alleles (0.00019%); highest among the groups gnomAD compares: East Asian, 0.0045%; no homozygotes.

Submission:

Labcorp Genetics (formerly Invitae), Labcorp
Classification: Uncertain significance. Last evaluated: 2022-07-18. Review status: criteria provided, single submitter. Criteria: Invitae Variant Classification Sherloc (09022015). Collection method: clinical testing. Allele origin: germline.
Comment: In summary, the available evidence is currently insufficient to determine the role of this variant in disease. Therefore, it has been classified as a Variant of Uncertain Significance. Algorithms developed to predict the effect of missense changes on protein structure and function (SIFT, PolyPhen-2, Align-GVGD) all suggest that this variant is likely to be tolerated. This variant has not been reported in the literature in individuals affected with SIN3A-related conditions. This variant is not present in population databases (gnomAD no frequency). This sequence change replaces valine, which is neutral and non-polar, with isoleucine, which is neutral and non-polar, at codon 844 of the SIN3A protein (p.Val844Ile).